The following is an entry in ClinVar:

NM_001849.4(COL6A2):c.2423-3C>T

Gene: COL6A2 (collagen type VI alpha 2 chain; plus strand). Cytogenetic location: 21q22.3.
Variant type: single nucleotide variant.
Coding change: c.2423-3C>T on transcript NM_001849.4 (MANE Select); 3 bases into the intron before coding-DNA position 2423, C replaced by T.
Molecular consequence: intron variant.
Genome position (GRCh38, 1-based): chr21:46,126,500, C>T. VCF-style: chr21-46126500-C-T. GRCh37 (hg19) VCF-style: chr21-47546414-C-T.
Other names: c.2423-3C>T (NM_058175.3, NM_058174.3).
Identifiers: ClinVar variation 2910333 (VCV002910333.3), dbSNP rs1461095453, ClinGen allele CA638188826.
Genomic context (GRCh38, chr21:46,126,500, plus strand): 5'-CGGCCGCTGAGGGTTCGCTAGGGACTGACCCTGGCCTGGCCCGGCCTCTCTCCTCTCTTC[C>T]AGACCCTCAGATCGTGTGCCCAGACCTTCCCTGCCAAACAGGTAATGCAGGGCACCCTGA-3'

ClinVar aggregate classification (germline): Uncertain significance (1 of 4 stars; one submission).

Conditions:
Bethlem myopathy 1A. Also called: MYOPATHY, BENIGN CONGENITAL, WITH CONTRACTURES; Bethlem myopathy 1; Bethlem Muscular Dystrophy. Identifiers: Orphanet 610, MedGen CN029274, MONDO:0024530, OMIM 158810.

Allele frequency attached by ClinVar (database versions not stated): gnomAD exomes below 0.00001.
gnomAD v4.1: 2 of 1,613,342 alleles (0.00012%); highest among the groups gnomAD compares: Admixed American, 0.0033%; no homozygotes.

Submission:

Labcorp Genetics (formerly Invitae), Labcorp
Classification: Uncertain significance for Bethlem myopathy 1A. Last evaluated: 2023-11-14. Review status: criteria provided, single submitter. Criteria: Invitae Variant Classification Sherloc (09022015). Collection method: clinical testing. Allele origin: germline.
Comment: This sequence change falls in intron 26 of the COL6A2 gene. It does not directly change the encoded amino acid sequence of the COL6A2 protein. It affects a nucleotide within the consensus splice site. This variant is present in population databases (no rsID available, gnomAD 0.003%). This variant has not been reported in the literature in individuals affected with COL6A2-related conditions. Variants that disrupt the consensus splice site are a relatively common cause of aberrant splicing (PMID: 17576681, 9536098). Algorithms developed to predict the effect of sequence changes on RNA splicing suggest that this variant is not likely to affect RNA splicing. In summary, the available evidence is currently insufficient to determine the role of this variant in disease. Therefore, it has been classified as a Variant of Uncertain Significance.

Literature cited by the submitters: PubMed 17576681; PubMed 9536098.